The following is an entry in ClinVar:

NM_001829.4(CLCN3):c.1228G>A (p.Ala410Thr)

Gene: CLCN3 (chloride voltage-gated channel 3; plus strand). Cytogenetic location: 4q33.
Variant type: single nucleotide variant.
Coding change: c.1228G>A on transcript NM_001829.4 (MANE Select); coding-DNA position 1228, G replaced by A.
Protein change: p.Ala410Thr; replaces alanine 410 with threonine.
Molecular consequence: missense variant.
Genome position (GRCh38, 1-based): chr4:169,697,399, G>A. VCF-style: chr4-169697399-G-A. GRCh37 (hg19) VCF-style: chr4-170618550-G-A.
Other names: c.1147G>A, p.Ala383Thr (NM_001243372.2, NM_001243374.2); c.1228G>A, p.Ala410Thr (NM_173872.4); short protein forms A383T, A410T.
Identifiers: ClinVar variation 3054093 (VCV003054093.2), dbSNP rs745571413, ClinGen allele CA358739511.

ClinVar aggregate classification (germline): Uncertain significance (0 of 4 stars; one submission).

Conditions:
CLCN3-related disorder. Also called: CLCN3-related condition.

Allele frequency attached by ClinVar (database versions not stated): gnomAD exomes below 0.00001.
gnomAD v4.1: 1 of 1,613,996 alleles (0.000062%); highest among the groups gnomAD compares: East Asian, 0.0022%; no homozygotes.

Submission:

PreventionGenetics, part of Exact Sciences
Classification: Uncertain significance for CLCN3-related condition. Last evaluated: 2023-12-21. Review status: no assertion criteria provided. Collection method: clinical testing. Allele origin: germline.
Comment: The CLCN3 c.1228G>A variant is predicted to result in the amino acid substitution p.Ala410Thr. To our knowledge, this variant has not been reported in the literature or in a large population database, indicating this variant is rare. At this time, the clinical significance of this variant is uncertain due to the absence of conclusive functional and genetic evidence.